The following is an entry in ClinVar:

ClinVar aggregate classification (germline): Pathogenic. Review status: criteria provided, multiple submitters, no conflicts (2 of 4 stars). 3 submissions from 3 submitters: Pathogenic (2). 1 of the submissions does not count toward it. Last evaluated 2024-01-30.

Conditions:
Spastic paraplegia. Identifiers: MedGen C0037772, HP:0001258.
Hereditary spastic paraplegia 15 (SPG15). Also called: SPASTIC PARAPLEGIA 15, AUTOSOMAL RECESSIVE; KJELLIN SYNDROME; SPASTIC PARAPLEGIA AND RETINAL DEGENERATION. Identifiers: Orphanet 100996, MedGen C1849128, MONDO:0010044, OMIM 270700.

Submissions (3):

GeneDx
Classification: Pathogenic. Last evaluated: 2024-01-30. Review status: criteria provided, single submitter. Criteria: GeneDx Variant Classification Process June 2021. Collection method: clinical testing. Allele origin: germline. Affected: yes.
Comment: Frameshift variant predicted to result in protein truncation or nonsense mediated decay in a gene for which loss of function is a known mechanism of disease; Not observed at significant frequency in large population cohorts (gnomAD); This variant is associated with the following publications: (PMID: 18394578, 19805727, 37681008, 25497598, 36315648)

Labcorp Genetics (formerly Invitae), Labcorp
Classification: Pathogenic for Spastic paraplegia. Last evaluated: 2023-12-26. Review status: criteria provided, single submitter. Criteria: Invitae Variant Classification Sherloc (09022015). Collection method: clinical testing. Allele origin: germline.
Comment: This sequence change creates a premature translational stop signal (p.Leu817Cysfs*12) in the ZFYVE26 gene. It is expected to result in an absent or disrupted protein product. Loss-of-function variants in ZFYVE26 are known to be pathogenic (PMID: 18394578, 19805727). This variant is present in population databases (rs768176054, gnomAD 0.002%). This premature translational stop signal has been observed in individual(s) with a ZFYVE26-related condition (PMID: 25497598). ClinVar contains an entry for this variant (Variation ID: 430412). Algorithms developed to predict the effect of sequence changes on RNA splicing suggest that this variant may disrupt the consensus splice site. For these reasons, this variant has been classified as Pathogenic.

Counsyl
Classification: Likely pathogenic for Hereditary spastic paraplegia 15. Last evaluated: 2016-12-15. Review status: no assertion criteria provided. Collection method: clinical testing. Allele origin: unknown. Not counted in ClinVar's aggregate classification.

Literature cited by the submitters: PubMed 18394578 (cited by Labcorp Genetics (formerly Invitae), Labcorp); PubMed 19805727 (cited by Labcorp Genetics (formerly Invitae), Labcorp); PubMed 25497598 (cited by Labcorp Genetics (formerly Invitae), Labcorp and Counsyl).

NM_015346.4(ZFYVE26):c.2450del (p.Leu817fs)

Gene: ZFYVE26 (zinc finger FYVE-type containing 26; minus strand). Cytogenetic location: 14q24.1.
Variant type: Deletion.
Coding change: c.2450del on transcript NM_015346.4 (MANE Select); coding-DNA position 2450, one base deleted (T; older notation c.2450delT).
Protein change: p.Leu817fs; shifts the reading frame from leucine 817.
Molecular consequence: frameshift variant.
Genome position (GRCh38, 1-based): chr14:67,793,711, A deleted on the plus strand (T on the coding strand, the reverse complement: ZFYVE26 is on the minus strand); the first of 2 consecutive A bases (chr14:67,793,711-67,793,712); deleting either gives the same sequence. VCF-style (leftmost placement, unchanged base first): chr14-67793710-CA-C. GRCh37 (hg19) VCF-style: chr14-68260427-CA-C.
Other names: c.2450del (NM_015346.3); short protein forms L817fs.
Identifiers: ClinVar variation 430412 (VCV000430412.15), dbSNP rs768176054, ClinGen allele CA7240272.
Genomic context (GRCh38, chr14:67,793,710, plus strand): 5'-CAGCAGTGACTCAGGTGGGGAGAACATCATGGGGATGAGTGAACTTTGAGGATGGGGGTG[CA>C]ATCTACTGTGCAGCTCATTCCGGCCAGACATGGCACTCAGACTTCCCTCTGTTGGGACAC-3'